The following is an entry in ClinVar:

ClinVar aggregate classification (germline): Uncertain significance (1 of 4 stars; one submission).

Conditions:
Inborn genetic diseases. Identifiers: MedGen C0950123, MeSH D030342.

Submission:

Ambry Genetics
Classification: Uncertain significance for Inborn genetic diseases. Last evaluated: 2024-09-15. Review status: criteria provided, single submitter. Criteria: Ambry Variant Classification Scheme 2023. Collection method: clinical testing. Allele origin: germline.
Comment: The p.D777E variant (also known as c.2331T>G), located in coding exon 18 of the BUB1B gene, results from a T to G substitution at nucleotide position 2331. The aspartic acid at codon 777 is replaced by glutamic acid, an amino acid with highly similar properties. This amino acid position is conserved. In addition, this alteration is predicted to be tolerated by in silico analysis. Based on the available evidence, the clinical significance of this variant remains unclear.

NM_001211.6(BUB1B):c.2331T>G (p.Asp777Glu)

Gene: BUB1B (BUB1 mitotic checkpoint serine/threonine kinase B; plus strand). Cytogenetic location: 15q15.1.
Variant type: single nucleotide variant.
Coding change: c.2331T>G on transcript NM_001211.6 (MANE Select); coding-DNA position 2331, T replaced by G.
Protein change: p.Asp777Glu; replaces aspartic acid 777 with glutamic acid.
Molecular consequence: missense variant.
Genome position (GRCh38, 1-based): chr15:40,210,156, T>G. VCF-style: chr15-40210156-T-G. GRCh37 (hg19) VCF-style: chr15-40502357-T-G.
Other names: short protein forms D777E.
Identifiers: ClinVar variation 3483193 (VCV003483193.1).